The following is an entry in ClinVar:

ClinVar aggregate classification (germline): Conflicting classifications of pathogenicity. Review status: criteria provided, conflicting classifications (1 of 4 stars). 11 submissions from 11 submitters: Pathogenic (5); Likely pathogenic (4); Uncertain significance (1). 1 of the submissions does not count toward it. Last evaluated 2026-04-28.

Conditions:
SCAMP5-related neurodevelopmental disorder with autistic features and seizures.
Inborn genetic diseases. Identifiers: MedGen C0950123, MeSH D030342.
Macrocephaly-developmental delay syndrome (MRT41). Also called: INTELLECTUAL DEVELOPMENTAL DISORDER, AUTOSOMAL RECESSIVE 41. Identifiers: Orphanet 397612, MedGen C3810225, MONDO:0014289, OMIM 615637.
SCAMP5-related disorder.
SCAMP5-related neurodevelopmental and movement disorder.
Neurodevelopmental disorder. Identifiers: MedGen C1535926, MeSH D065886, MONDO:0700092.

Submissions (11):

Wales Gene Park, Division Of Cancer and Genetics, Cardiff University
Classification: Likely pathogenic for Inborn genetic diseases. Last evaluated: 2026-04-28. Review status: criteria provided, single submitter. Criteria: ACGS Best Practice Guidelines for Variant Classification in Rare Disease 2024. Collection method: research. Allele origin: de novo. Inheritance: Autosomal dominant inheritance. Affected: yes. Study: 100,000 Genomes Project (Wales).
Comment: De novo SCAMP5 missense variant detected by trio genome sequencing. No present in gnomAD (v4.1.1). This variant has been reported de novo multiple times in patients with neurodevelopmental problems (PMIDs 33390987, 31439720). Functional studies suggest a dominant negative effect. Evidence codes: PM2, PS2_strong, PS3_supporting.

Greenwood Genetic Center Diagnostic Laboratories, Greenwood Genetic Center
Classification: Pathogenic for SCAMP5-related disorder. Last evaluated: 2026-04-21. Review status: criteria provided, single submitter. Criteria: ACMG Guidelines, 2015. Collection method: clinical testing. Allele origin: germline. Affected: yes.
Comment: PS2_Very Strong, PS3, PM2

3billion
Classification: Uncertain significance for SCAMP5-related disorder. Last evaluated: 2025-12-03. Review status: criteria provided, single submitter. Criteria: ACMG Guidelines, 2015. Collection method: clinical testing. Allele origin: germline. Affected: yes.
Comment: The variant is not observed in the gnomAD v4.1.0 dataset. Predicted Consequence/Location: Missense variant In silico tool predictions suggest damaging effect of the variant on gene or gene product [REVEL: 0.65 (>=0.6, sensitivity 0.68 and specificity 0.92)]. The same nucleotide change resulting in the same amino acid change has been previously reported as pathogenic/likely pathogenic with strong evidence (ClinVar ID: VCV000872248 /PMID: 31439720 /3billion dataset). The variant has been previously reported as de novo in a similarly affected individual (PMID: 31439720). Therefore, this variant is classified as VUS according to the recommendation of ACMG/AMP guideline.

Ambry Genetics
Classification: Pathogenic for Inborn genetic diseases. Last evaluated: 2025-09-24. Review status: criteria provided, single submitter. Criteria: Ambry Variant Classification Scheme 2023. Collection method: clinical testing. Allele origin: germline.
Comment: The c.538G>T (p.G180W) alteration is located in exon 8 (coding exon 6) of the SCAMP5 gene. This alteration results from a G to T substitution at nucleotide position 538, causing the glycine (G) at amino acid position 180 to be replaced by a tryptophan (W). This variant was not reported in population-based cohorts in the Genome Aggregation Database (gnomAD). This variant was determined to be de novo in at least one individual with features consistent with SCAMP5-related neurodevelopmental disorder (Hubert, 2020; Jiao, 2020; Ambry internal data). This amino acid position is highly conserved in available vertebrate species. Functional analysis demonstrated that the p.G180W alteration decreased protein levels compared to wild type protein when expressed in the Drosophila fat body using the corresponding alteration, p.G302W, in the fly homolog. Additionally, expression of the p.G302W alteration in Drosophila showed abnormal eye formation and disturbed the normal fly neurological phenotype (Hubert, 2020). The in silico prediction for this alteration is inconclusive. Based on the available evidence, this alteration is classified as pathogenic.

Institute of Human Genetics, Heidelberg University
Classification: Likely pathogenic for neurodevelopmental disorder. Last evaluated: 2025-08-22. Review status: criteria provided, single submitter. Criteria: ACMG Guidelines, 2015. Collection method: clinical testing. Allele origin: de novo. Affected: yes. Observed: 1 variant allele.
Comment: PS4_mod, PS2_mod, PM2_supp, PP3_supp

Dasa
Classification: Pathogenic. Last evaluated: 2025-05-31. Review status: criteria provided, single submitter. Criteria: DASA Assertion Criteria. Collection method: clinical testing. Allele origin: germline.
Comment: NM_138967.4(SCAMP5):c.538G>T (p.Gly180Trp) is a missense variant that results in the substitution of glycine with tryptophan. De novo occurrence has been reported in an individual with related phenotype. Functional evidence supports a deleterious effect on the gene or gene product (PMID: 31439720; PMID: 33390987). This variant has been recurrently observed in individuals with related phenotype (PMID: 31439720; PMID: 33390987). Multiple computational predictions support a deleterious effect on the gene or gene product. The variant is present at low frequency in population datasets. Based on the available data, this variant is classified as pathogenic.

Institute of Medical Genetics and Applied Genomics, University Hospital Tübingen
Classification: Likely pathogenic for Macrocephaly-developmental delay syndrome. Last evaluated: 2023-11-30. Review status: criteria provided, single submitter. Criteria: ACMG Guidelines, 2015. Collection method: clinical testing. Allele origin: de novo. Inheritance: Autosomal dominant inheritance. Affected: yes.

Illumina Laboratory Services, Illumina
Classification: Likely pathogenic for SCAMP5-related neurodevelopmental disorder with autistic features and seizures. Last evaluated: 2023-06-01. Review status: criteria provided, single submitter. Criteria: ICSLVariantClassificationCriteria RUGD 01 April 2020. Collection method: clinical testing. Allele origin: unknown.
Comment: The SCAMP5 c.538G>T (p.Gly180Trp) missense variant has been reported in a de novo state in six unrelated individuals with developmental delay, seizures, motor disorders, behavioral differences, and abnormalities on brain MRI (PMID: 31439720; 33390987). This variant is not observed in version 2.1.1 or version 3.1.2 of the Genome Aggregation Database. Functional studies of this variant conducted in a Drosophila knock-in model suggest it has a dominant-negative effect (PMID: 31439720). This variant has been classified as pathogenic or likely pathogenic by four submitters in ClinVar. Based on the available evidence, the c.538G>T (p.Gly180Trp) variant is classified as likely pathogenic for SCAMP5-related neurodevelopmental disorder with autistic features and seizures.

GeneDx
Classification: Pathogenic. Last evaluated: 2022-08-09. Review status: criteria provided, single submitter. Criteria: GeneDx Variant Classification Process June 2021. Collection method: clinical testing. Allele origin: germline. Affected: yes.
Comment: Published functional studies using Drosophila fly models showed reduced protein levels and suggested a dominant-negative effect (Hubert et al., 2020); Not observed in large population cohorts (gnomAD); In silico analysis, which includes protein predictors and evolutionary conservation, supports a deleterious effect; This variant is associated with the following publications: (PMID: 33663553, 33390987, 31439720)

CeGaT Center for Human Genetics Tuebingen
Classification: Pathogenic. Last evaluated: 2019-11-01. Review status: criteria provided, single submitter. Criteria: CeGaT Center For Human Genetics Tuebingen Variant Classification Criteria Version 2. Collection method: clinical testing. Allele origin: germline. Affected: yes. Observed: 3 variant alleles.

OMIM
Classification: Uncertain significance for VARIANT OF UNKNOWN SIGNIFICANCE. Last evaluated: 2020-11-10. Review status: no assertion criteria provided. Collection method: literature only. Allele origin: germline. Not counted in ClinVar's aggregate classification.

Literature cited by the submitters: PubMed 33390987 (cited by 4 submitters); PubMed 31439720 (cited by 6 submitters).

NM_138967.4(SCAMP5):c.538G>T (p.Gly180Trp)

Gene: SCAMP5 (secretory carrier membrane protein 5; plus strand). Cytogenetic location: 15q24.2.
Variant type: single nucleotide variant.
Coding change: c.538G>T on transcript NM_138967.4 (MANE Select); coding-DNA position 538, G replaced by T.
Protein change: p.Gly180Trp; replaces glycine 180 with tryptophan.
Molecular consequence: missense variant. On other transcripts: non-coding transcript variant (1).
Genome position (GRCh38, 1-based): chr15:75,018,813, G>T. VCF-style: chr15-75018813-G-T. GRCh37 (hg19) VCF-style: chr15-75311154-G-T.
Other names: c.538G>T, p.Gly180Trp (NM_001178111.2, NM_001178112.2); short protein forms G180W.
Identifiers: ClinVar variation 872248 (VCV000872248.56), dbSNP rs1184981709, ClinGen allele CA393436173.